The following is an entry in ClinVar:

ClinVar aggregate classification (germline): Uncertain significance (1 of 4 stars; one submission).

Allele frequency attached by ClinVar (database versions not stated): gnomAD 0.00001; TOPMed 0.00002.
gnomAD v4.1: 3 of 1,614,002 alleles (0.00019%); highest among the groups gnomAD compares: Admixed American, 0.0033%; no homozygotes.

Submission:

Women's Health and Genetics/Laboratory Corporation of America, LabCorp
Classification: Uncertain significance. Last evaluated: 2023-10-16. Review status: criteria provided, single submitter. Criteria: LabCorp Variant Classification Summary - May 2015. Collection method: clinical testing. Allele origin: germline.
Comment: Variant summary: INTS8 c.2210G>A (p.Gly737Asp) results in a non-conservative amino acid change in the encoded protein sequence. Four of five in-silico tools predict a damaging effect of the variant on protein function. The variant allele was found at a frequency of 8e-06 in 251468 control chromosomes. The available data on variant occurrences in the general population are insufficient to allow any conclusion about variant significance. To our knowledge, no occurrence of c.2210G>A in individuals affected with Neurodevelopmental Disorder With Cerebellar Hypoplasia And Spasticity and no experimental evidence demonstrating its impact on protein function have been reported. No submitters have cited clinical-significance assessments for this variant to ClinVar after 2014. Based on the evidence outlined above, the variant was classified as uncertain significance.

NM_017864.4(INTS8):c.2210G>A (p.Gly737Asp)

Gene: INTS8 (integrator complex subunit 8; plus strand). Cytogenetic location: 8q22.1.
Variant type: single nucleotide variant.
Coding change: c.2210G>A on transcript NM_017864.4 (MANE Select); coding-DNA position 2210, G replaced by A.
Protein change: p.Gly737Asp; replaces glycine 737 with aspartic acid.
Molecular consequence: missense variant. On other transcripts: non-coding transcript variant (2).
Genome position (GRCh38, 1-based): chr8:94,865,639, G>A. VCF-style: chr8-94865639-G-A. GRCh37 (hg19) VCF-style: chr8-95877867-G-A.
Other names: short protein forms G737D.
Identifiers: ClinVar variation 2637761 (VCV002637761.1), dbSNP rs961796394, ClinGen allele CA181476198.
Genomic context (GRCh38, chr8:94,865,639, plus strand): 5'-TTTGGGAAGTTGTTGTTCAAATCTGTAGTGTGTCCAGTCAGCACAAACGAGGAAATGATG[G>A]CAGAGTTAGTTTAATAAAACAGAGGGAATCTACGTTAGGTATCATGTATCGGTATGTATT-3'
Protein context (NP_060334.2, residues 727-747): VSSQHKRGND[Gly737Asp]RVSLIKQRES